The following is an entry in ClinVar:

ClinVar aggregate classification (germline): Pathogenic/Likely pathogenic. Review status: criteria provided, multiple submitters, no conflicts (2 of 4 stars). 3 submissions from 3 submitters: Pathogenic (1); Likely pathogenic (1). 1 of the submissions does not count toward it. Last evaluated 2023-11-25.

Conditions:
Spondylocostal dysostosis 1, autosomal recessive (SCDO1). Also called: DLL3-Related Spondylocostal Dysostosis, Autosomal Recessive. Identifiers: Orphanet 2311, MedGen CN032975, MONDO:0020692, OMIM 277300.

Allele frequency attached by ClinVar (database versions not stated): TOPMed 0.00004; gnomAD exomes 0.00002; gnomAD 0.00004.

Submissions (3):

Labcorp Genetics (formerly Invitae), Labcorp
Classification: Pathogenic. Last evaluated: 2023-11-25. Review status: criteria provided, single submitter. Criteria: Invitae Variant Classification Sherloc (09022015). Collection method: clinical testing. Allele origin: germline.
Comment: This sequence change creates a premature translational stop signal (p.Ala317Argfs*17) in the DLL3 gene. It is expected to result in an absent or disrupted protein product. Loss-of-function variants in DLL3 are known to be pathogenic (PMID: 12746394). This variant is present in population databases (rs786200900, gnomAD 0.01%). This premature translational stop signal has been observed in individual(s) with spondylocostal dysostosis (PMID: 10742114). ClinVar contains an entry for this variant (Variation ID: 6829). For these reasons, this variant has been classified as Pathogenic.

Department of Human Genetics, Hannover Medical School
Classification: Likely pathogenic for Spondylocostal dysostosis 1, autosomal recessive. Last evaluated: 2023-06-28. Review status: criteria provided, single submitter. Criteria: ACMG Guidelines, 2015. Collection method: clinical testing. Allele origin: germline. Inheritance: Autosomal recessive inheritance. Affected: yes.

OMIM
Classification: Pathogenic for SPONDYLOCOSTAL DYSOSTOSIS 1, AUTOSOMAL RECESSIVE. Last evaluated: 2000-04-01. Review status: no assertion criteria provided. Collection method: literature only. Allele origin: germline. Not counted in ClinVar's aggregate classification.

Literature cited by the submitters: PubMed 12746394 (cited by Labcorp Genetics (formerly Invitae), Labcorp); PubMed 10742114 (cited by Labcorp Genetics (formerly Invitae), Labcorp and OMIM).

NM_203486.3(DLL3):c.945_946del (p.Ala317fs)

Gene: DLL3 (delta like canonical Notch ligand 3; plus strand). Cytogenetic location: 19q13.2.
Variant type: Deletion.
Coding change: c.945_946del on transcript NM_203486.3 (MANE Select); coding-DNA positions 945 to 946, 2 bases deleted (AT; older notation c.945_946delAT).
Protein change: p.Ala317fs; shifts the reading frame from alanine 317.
Molecular consequence: frameshift variant.
Genome position (GRCh38, 1-based): chr19:39,505,303-39,505,304, AT deleted. VCF-style (leftmost placement, unchanged base first): chr19-39505302-CAT-C. GRCh37 (hg19) VCF-style: chr19-39995942-CAT-C.
Other names: c.945_946del, p.Ala317fs (NM_016941.4); short protein forms A317fs.
Identifiers: ClinVar variation 6829 (VCV000006829.6), dbSNP rs786200900, ClinGen allele CA253971.